The following is an entry in ClinVar:

ClinVar aggregate classification (germline): Uncertain significance (1 of 4 stars; one submission).

Conditions:
Cohen syndrome (COH1). Also called: PEPPER SYNDROME; Cutis verticis gyrata, retinitis pigmentosa, and sensorineural deafness. Identifiers: Orphanet 193, MedGen C0265223, MONDO:0008999, OMIM 216550.

Allele frequency attached by ClinVar (database versions not stated): TOPMed below 0.00001; gnomAD exomes 0.00001; ExAC 0.00002.
gnomAD v4.1: 9 of 1,613,994 alleles (0.00056%); highest among the groups gnomAD compares: South Asian, 0.0066%; no homozygotes.

Submission:

Labcorp Genetics (formerly Invitae), Labcorp
Classification: Uncertain significance for Cohen syndrome. Last evaluated: 2022-08-11. Review status: criteria provided, single submitter. Criteria: Invitae Variant Classification Sherloc (09022015). Collection method: clinical testing. Allele origin: germline.
Comment: This sequence change replaces methionine, which is neutral and non-polar, with valine, which is neutral and non-polar, at codon 2523 of the VPS13B protein (p.Met2523Val). This variant is present in population databases (rs772347065, gnomAD 0.006%). This variant has not been reported in the literature in individuals affected with VPS13B-related conditions. ClinVar contains an entry for this variant (Variation ID: 1374317). Algorithms developed to predict the effect of missense changes on protein structure and function are either unavailable or do not agree on the potential impact of this missense change (SIFT: "Not Available"; PolyPhen-2: "Benign"; Align-GVGD: "Not Available"). In summary, the available evidence is currently insufficient to determine the role of this variant in disease. Therefore, it has been classified as a Variant of Uncertain Significance.

NM_152564.5(VPS13B):c.7492A>G (p.Met2498Val)

Gene: VPS13B (vacuolar protein sorting 13 homolog B; plus strand). Cytogenetic location: 8q22.2.
Variant type: single nucleotide variant.
Coding change: c.7492A>G on transcript NM_152564.5 (MANE Select); coding-DNA position 7492, A replaced by G.
Protein change: p.Met2498Val; replaces methionine 2498 with valine.
Molecular consequence: missense variant.
Genome position (GRCh38, 1-based): chr8:99,778,744, A>G. VCF-style: chr8-99778744-A-G. GRCh37 (hg19) VCF-style: chr8-100790972-A-G.
Other names: c.7567A>G, p.Met2523Val (NM_017890.5); short protein forms M2498V, M2523V.
Identifiers: ClinVar variation 1374317 (VCV001374317.5), dbSNP rs772347065, ClinGen allele CA4824241.